The following is an entry in ClinVar:

NM_001142864.4(PIEZO1):c.5224GTC[1] (p.Val1743del)

Gene: PIEZO1 (piezo type mechanosensitive ion channel component 1 (Er blood group); minus strand). Cytogenetic location: 16q24.3.
Variant type: Microsatellite.
Coding change: c.5224GTC[1] on transcript NM_001142864.4 (MANE Select); one copy of the 3-base unit GTC starting at c.5224; the reference has two copies in a row; one copy, 3 bases deleted; also written c.5227_5229del.
Protein change: p.Val1743del; deletes valine 1743.
Molecular consequence: inframe deletion. On other transcripts: inframe indel (1).
Genome position (GRCh38, 1-based): chr16:88,721,712-88,721,714, GAC deleted on the plus strand (GTC on the coding strand, the reverse complement: PIEZO1 is on the minus strand); deleting any 3 consecutive bases within chr16:88,721,712-88,721,717 gives the same sequence; the position shown is the placement nearest the transcript's 3' end. VCF-style (leftmost placement, unchanged base first): chr16-88721711-TGAC-T. GRCh37 (hg19) VCF-style: chr16-88788119-TGAC-T.
Other names: p.Val1743del; c.3766_3768GTC[1], p.Val1257del (NM_014745.1); c.5227_5229del (NM_001142864.4); short protein forms V1257del, V1743del.
Identifiers: ClinVar variation 2505199 (VCV002505199.5), dbSNP rs1443450728, ClinGen allele CA624449016.

ClinVar aggregate classification (germline): Uncertain significance. Review status: criteria provided, multiple submitters, no conflicts (2 of 4 stars). 5 submissions from 5 submitters: Uncertain significance (5). Last evaluated 2025-03-21.

Conditions:
Lymphatic malformation 6 (LMPHM6). Also called: PIEZO1-related generalized lymphatic dysplasia with non-immune hydrops fetalis; GENERALIZED LYMPHATIC DYSPLASIA OF FOTIOU; Lymphedema, hereditary, III. Identifiers: Orphanet 568062, MedGen C4225184, MONDO:0014797, OMIM 616843.

Submissions (5):

3billion
Classification: Uncertain significance for Lymphatic malformation 6. Last evaluated: 2025-03-21. Review status: criteria provided, single submitter. Criteria: ACMG Guidelines, 2015. Collection method: clinical testing. Allele origin: germline. Affected: yes.

Blueprint Genetics
Classification: Uncertain significance. Last evaluated: 2024-10-14. Review status: criteria provided, single submitter. Criteria: ACMG Guidelines, 2015. Collection method: clinical testing. Allele origin: germline.

Revvity Omics, Revvity
Classification: Uncertain significance. Last evaluated: 2024-01-22. Review status: criteria provided, single submitter. Criteria: ACMG Guidelines, 2015. Collection method: clinical testing. Allele origin: germline.

Mayo Clinic Laboratories, Mayo Clinic
Classification: Uncertain significance. Last evaluated: 2023-12-06. Review status: criteria provided, single submitter. Criteria: ACMG Guidelines, 2015. Collection method: clinical testing. Allele origin: germline. Observed: 1 variant allele.
Comment: PM4

Greenwood Genetic Center Diagnostic Laboratories, Greenwood Genetic Center
Classification: Uncertain significance. Last evaluated: 2023-03-08. Review status: criteria provided, single submitter. Criteria: ACMG Guidelines, 2015. Collection method: clinical testing. Allele origin: germline. Affected: yes.
Comment: PM2, PM4